The following is an entry in ClinVar:

NM_024301.5(FKRP):c.822C>G (p.Ile274Met)

Gene: FKRP (fukutin related protein; plus strand). Cytogenetic location: 19q13.32.
Variant type: single nucleotide variant.
Coding change: c.822C>G on transcript NM_024301.5 (MANE Select); coding-DNA position 822, C replaced by G.
Protein change: p.Ile274Met; replaces isoleucine 274 with methionine.
Molecular consequence: missense variant.
Genome position (GRCh38, 1-based): chr19:46,756,272, C>G. VCF-style: chr19-46756272-C-G. GRCh37 (hg19) VCF-style: chr19-47259529-C-G.
Other names: c.822C>G, p.Ile274Met (NM_001039885.3); short protein forms I274M.
Identifiers: ClinVar variation 129058 (VCV000129058.42), dbSNP rs77138370, ClinGen allele CA152821.

ClinVar aggregate classification (germline): Conflicting classifications of pathogenicity. Review status: criteria provided, conflicting classifications (1 of 4 stars). 15 submissions from 15 submitters: Uncertain significance (1); Benign (4); Likely benign (7). 3 of the submissions do not count toward it. Last evaluated 2026-04-03.

Conditions:
Walker-Warburg congenital muscular dystrophy. Also called: Muscular dystrophy-dystroglycanopathy, type A; Walker-Warburg syndrome. Identifiers: Orphanet 899, MedGen C0265221, MONDO:0000171.
Cardiovascular phenotype. Identifiers: MedGen CN230736.
Muscular dystrophy-dystroglycanopathy type B5 (MDDGB5). Also called: MUSCULAR DYSTROPHY-DYSTROGLYCANOPATHY (CONGENITAL WITH OR WITHOUT IMPAIRED INTELLECTUAL DEVELOPMENT), TYPE B, 5; MUSCULAR DYSTROPHY, CONGENITAL, 1C; MUSCULAR DYSTROPHY, CONGENITAL, FKRP-RELATED. Identifiers: MedGen C1847759, MONDO:0011688, OMIM 606612.
Autosomal recessive limb-girdle muscular dystrophy type 2I. Also called: MUSCULAR DYSTROPHY-DYSTROGLYCANOPATHY, LIMB-GIRDLE, FRKP-RELATED; MUSCULAR DYSTROPHY, LIMB-GIRDLE, TYPE 2I; MUSCULAR DYSTROPHY-DYSTROGLYCANOPATHY (LIMB-GIRDLE), TYPE C, 5. Identifiers: Orphanet 34515, MedGen C1846672, MONDO:0011787, OMIM 607155.
Muscular dystrophy-dystroglycanopathy (congenital with brain and eye anomalies), type A5. Also called: WALKER-WARBURG SYNDROME OR MUSCLE-EYE-BRAIN DISEASE, FKRP-RELATED; MUSCULAR DYSTROPHY-DYSTROGLYCANOPATHY (CONGENITAL WITH BRAIN AND EYE ANOMALIES), TYPE A, 5. Identifiers: Orphanet 588, Orphanet 899, MedGen C3150413, MONDO:0013157, OMIM 613153.

Allele frequency attached by ClinVar (database versions not stated): ESP Exome Variant Server 0.00047; gnomAD exomes 0.00069; gnomAD 0.00251; TOPMed 0.00330; 1000 Genomes Project 0.00399; ExAC 0.00415; 1000 Genomes Project 30x 0.00437.
gnomAD v4.1: 894 of 1,508,888 alleles (0.059%); highest among the groups gnomAD compares: African/African-American, 1.1%; 8 homozygotes.

Submissions (15):

Women's Health and Genetics/Laboratory Corporation of America, LabCorp
Classification: Likely benign. Last evaluated: 2026-04-03. Review status: criteria provided, single submitter. Criteria: LabCorp Variant Classification Summary - May 2015. Collection method: clinical testing. Allele origin: germline.
Comment: Variant summary: FKRP c.822C>G (p.Ile274Met) results in a conservative amino acid change in the encoded protein sequence. Algorithms developed to predict the effect of missense changes on protein structure and function are either unavailable or do not agree on the potential impact of this missense change. The variant allele was found at a frequency of 0.00069 in 114982 control chromosomes, predominantly at a frequency of 0.0096 within the African or African-American subpopulation in the gnomAD database. The observed variant frequency within African or African-American control individuals in the gnomAD database exceeds the estimated maximal expected allele frequency for disease-causing variants in FKRP. To our knowledge, no occurrence of c.822C>G in individuals affected with FKRP-related conditions and no experimental evidence demonstrating its impact on protein function have been reported. ClinVar contains an entry for this variant (Variation ID: 129058). Based on the evidence outlined above, the variant was classified as likely benign.

Labcorp Genetics (formerly Invitae), Labcorp
Classification: Likely benign for Walker-Warburg congenital muscular dystrophy. Last evaluated: 2026-02-01. Review status: criteria provided, single submitter. Criteria: Invitae Variant Classification Sherloc (09022015). Collection method: clinical testing. Allele origin: germline.

Molecular Diagnostic Laboratory for Inherited Cardiovascular Disease, Montreal Heart Institute
Classification: Likely benign. Last evaluated: 2025-04-09. Review status: criteria provided, single submitter. Criteria: ACMG Guidelines, 2015. Collection method: clinical testing. Allele origin: germline. Affected: no.

Athena Diagnostics
Classification: Likely benign. Last evaluated: 2024-12-17. Review status: criteria provided, single submitter. Criteria: Athena Diagnostics Criteria. Collection method: clinical testing. Allele origin: unknown.
Comment: The frequency of this variant in the general population is higher than would generally be expected for pathogenic variants in this gene. Computational tools predict this amino acid change may be benign.

Blueprint Genetics
Classification: Likely benign. Last evaluated: 2024-11-26. Review status: criteria provided, single submitter. Criteria: ACMG Guidelines, 2015. Collection method: clinical testing. Allele origin: germline.

Mayo Clinic Laboratories, Mayo Clinic
Classification: Benign. Last evaluated: 2023-12-08. Review status: criteria provided, single submitter. Criteria: ACMG Guidelines, 2015. Collection method: clinical testing. Allele origin: germline. Observed: 10 variant alleles.
Comment: BS1, BS2, BP4_strong

ARUP Laboratories, Molecular Genetics and Genomics, ARUP Laboratories
Classification: Likely benign. Last evaluated: 2023-11-29. Review status: criteria provided, single submitter. Criteria: ARUP Molecular Germline Variant Investigation Process 2024. Collection method: clinical testing. Allele origin: germline.

GeneDx
Classification: Likely benign. Last evaluated: 2021-05-20. Review status: criteria provided, single submitter. Criteria: GeneDx Variant Classification Process June 2021. Collection method: clinical testing. Allele origin: germline. Affected: yes.
Comment: This variant is associated with the following publications: (PMID: 27142102)

New York Genome Center
Classification: Uncertain significance for Muscular dystrophy-dystroglycanopathy (congenital with brain and eye anomalies), type A5; Muscular dystrophy-dystroglycanopathy type B5; Autosomal recessive limb-girdle muscular dystrophy type 2I. Last evaluated: 2020-06-05. Review status: criteria provided, single submitter. Criteria: NYGC Assertion Criteria 2020. Collection method: clinical testing. Allele origin: germline. Observed: 1 heterozygote. Study: CSER-NYCKidSeq.

Ambry Genetics
Classification: Benign for Cardiovascular phenotype. Last evaluated: 2019-03-26. Review status: criteria provided, single submitter. Criteria: Ambry Variant Classification Scheme 2023. Collection method: clinical testing. Allele origin: germline.

Eurofins Ntd Llc (ga)
Classification: Benign. Last evaluated: 2015-12-27. Review status: criteria provided, single submitter. Criteria: EGL Classification Definitions 2015. Collection method: clinical testing. Allele origin: germline. Observed: 1 variant allele, 1 heterozygote.

PreventionGenetics, part of Exact Sciences
Classification: Benign. Review status: criteria provided, single submitter. Criteria: ACMG Guidelines, 2015. Collection method: clinical testing. Allele origin: germline.

Clinical Genetics DNA and cytogenetics Diagnostics Lab, Erasmus MC, Erasmus Medical Center
Classification: Benign. Review status: no assertion criteria provided. Collection method: clinical testing. Allele origin: germline. Affected: yes. Study: VKGL Data-share Consensus. Not counted in ClinVar's aggregate classification.

Clinical Genetics, Academic Medical Center
Classification: Benign. Review status: no assertion criteria provided. Collection method: clinical testing. Allele origin: germline. Affected: yes. Study: VKGL Data-share Consensus. Not counted in ClinVar's aggregate classification.

Genetic Services Laboratory, University of Chicago
Classification: Likely benign for AllHighlyPenetrant. Review status: no assertion criteria provided. Collection method: clinical testing. Allele origin: germline. Inheritance: Autosomal recessive inheritance. Not counted in ClinVar's aggregate classification.
Comment: Likely benign based on allele frequency in 1000 Genomes Project or ESP global frequency and its presence in a patient with a rare or unrelated disease phenotype. NOT Sanger confirmed.

Literature cited by the submitters: PubMed 25802880 (cited by Athena Diagnostics); PubMed 28569743 (cited by Athena Diagnostics).